The following is an entry in ClinVar:

NM_001384732.1(CPLANE1):c.5968G>A (p.Glu1990Lys)

Gene: CPLANE1 (ciliogenesis and planar polarity effector complex subunit 1; minus strand). Cytogenetic location: 5p13.2.
Variant type: single nucleotide variant.
Coding change: c.5968G>A on transcript NM_001384732.1 (MANE Select); coding-DNA position 5968, G replaced by A.
Protein change: p.Glu1990Lys; replaces glutamic acid 1990 with lysine.
Molecular consequence: missense variant.
Genome position (GRCh38, 1-based): chr5:37,175,919, C>T on the plus strand (G>A on the coding strand, the complement: CPLANE1 is on the minus strand). VCF-style: chr5-37175919-C-T. GRCh37 (hg19) VCF-style: chr5-37176021-C-T.
Other names: c.5968G>A, p.Glu1990Lys (NM_023073.4); c.5968G>A (NM_023073.3); short protein forms E1990K.
Identifiers: ClinVar variation 2196791 (VCV002196791.4), dbSNP rs769946295, ClinGen allele CA3238377.

ClinVar aggregate classification (germline): Uncertain significance. Review status: criteria provided, multiple submitters, no conflicts (2 of 4 stars). 2 submissions from 2 submitters: Uncertain significance (2). Last evaluated 2024-12-03.

Conditions:
Orofaciodigital syndrome type 6 (OFD6). Also called: OROFACIODIGITAL SYNDROME VI; OFDS VI; POLYDACTYLY, CLEFT LIP/PALATE OR LINGUAL LUMP, AND PSYCHOMOTOR RETARDATION; VARADI SYNDROME; VARADI-PAPP SYNDROME; Oral-facial-digital syndrome type 6. Identifiers: Orphanet 2754, MedGen C2745997, MONDO:0010176, OMIM 277170.
Joubert syndrome 17 (JBTS17). Identifiers: Orphanet 475, MedGen C3553264, MONDO:0013824, OMIM 614615.

Allele frequency attached by ClinVar (database versions not stated): gnomAD exomes below 0.00001; ExAC 0.00001; gnomAD 0.00001; TOPMed 0.00001.
gnomAD v4.1: 8 of 1,612,166 alleles (0.0005%); highest among the groups gnomAD compares: Admixed American, 0.0033%; no homozygotes.

Submissions (2):

Labcorp Genetics (formerly Invitae), Labcorp
Classification: Uncertain significance. Last evaluated: 2024-12-03. Review status: criteria provided, single submitter. Criteria: Invitae Variant Classification Sherloc (09022015). Collection method: clinical testing. Allele origin: germline.
Comment: This sequence change replaces glutamic acid, which is acidic and polar, with lysine, which is basic and polar, at codon 1990 of the CPLANE1 protein (p.Glu1990Lys). This variant is present in population databases (rs769946295, gnomAD 0.003%). This variant has not been reported in the literature in individuals affected with CPLANE1-related conditions. ClinVar contains an entry for this variant (Variation ID: 2196791). Invitae Evidence Modeling of protein sequence and biophysical properties (such as structural, functional, and spatial information, amino acid conservation, physicochemical variation, residue mobility, and thermodynamic stability) indicates that this missense variant is not expected to disrupt CPLANE1 protein function with a negative predictive value of 95%. In summary, the available evidence is currently insufficient to determine the role of this variant in disease. Therefore, it has been classified as a Variant of Uncertain Significance.

Fulgent Genetics
Classification: Uncertain significance for Orofaciodigital syndrome type 6; Joubert syndrome 17. Last evaluated: 2024-04-23. Review status: criteria provided, single submitter. Criteria: ACMG Guidelines, 2015. Collection method: clinical testing. Allele origin: germline.